The following is an entry in ClinVar:

ClinVar aggregate classification (germline): Pathogenic (1 of 4 stars; one submission).

Conditions:
Familial cancer of breast. Also called: hereditary breast carcinoma; BREAST CANCER, FAMILIAL; Hereditary breast cancer. Identifiers: Orphanet 227535, MedGen C0346153, MONDO:0016419, OMIM 114480. Disease mechanism: loss of function.

Submission:

Labcorp Genetics (formerly Invitae), Labcorp
Classification: Pathogenic for Familial cancer of breast. Last evaluated: 2024-06-19. Review status: criteria provided, single submitter. Criteria: Invitae Variant Classification Sherloc (09022015). Collection method: clinical testing. Allele origin: germline.
Comment: This sequence change falls in intron 6 of the CHEK2 gene. It does not directly change the encoded amino acid sequence of the CHEK2 protein. RNA analysis indicates that this variant induces altered splicing and likely results in a shortened protein product. This variant is not present in population databases (gnomAD no frequency). This variant has not been reported in the literature in individuals affected with CHEK2-related conditions. ClinVar contains an entry for this variant (Variation ID: 2008577). Studies have shown that this variant results in skipping of exon 7 skipping, but is expected to preserve the integrity of the reading-frame (Invitae). This variant disrupts a region of the CHEK2 protein in which other variant(s) (deletion of exon 7) have been determined to be pathogenic (Invitae). This suggests that this is a clinically significant region of the protein, and that variants that disrupt it are likely to be disease-causing. For these reasons, this variant has been classified as Pathogenic.

NM_007194.4(CHEK2):c.793-15T>G

Gene: CHEK2 (checkpoint kinase 2; minus strand). Cytogenetic location: 22q12.1.
Variant type: single nucleotide variant.
Coding change: c.793-15T>G on transcript NM_007194.4 (MANE Select); 15 bases into the intron before coding-DNA position 793, T replaced by G.
Molecular consequence: intron variant.
Genome position (GRCh38, 1-based): chr22:28,710,074, A>C on the plus strand (T>G on the coding strand, the complement: CHEK2 is on the minus strand). VCF-style: chr22-28710074-A-C. GRCh37 (hg19) VCF-style: chr22-29106062-A-C.
Other names: c.130-15T>G (NM_001437942.1, NM_001257387.3); c.592-15T>G (NM_001349956.3); c.793-15T>G (NM_145862.3); c.886-15T>G (NM_001438295.1, NM_001438293.1); c.922-15T>G (NM_001438294.1, NM_001005735.3).
Identifiers: ClinVar variation 2008577 (VCV002008577.4), dbSNP rs1297980569, ClinGen allele CA2580099671.